The following is an entry in ClinVar:

NM_001371623.1(TCOF1):c.3757_3760del (p.Ala1253fs)

Gene: TCOF1 (treacle ribosome biogenesis factor 1; plus strand). Cytogenetic location: 5q32.
Variant type: Deletion.
Coding change: c.3757_3760del on transcript NM_001371623.1 (MANE Select); coding-DNA positions 3757 to 3760, 4 bases deleted (GCAG; older notation c.3757_3760delGCAG).
Protein change: p.Ala1253fs; shifts the reading frame from alanine 1253.
Molecular consequence: frameshift variant.
Genome position (GRCh38, 1-based): chr5:150,393,525-150,393,528, GCAG deleted; deleting any 4 consecutive bases within chr5:150,393,522-150,393,528 gives the same sequence; the c. name uses the placement nearest the transcript's 3' end. VCF-style (leftmost placement, unchanged base first): chr5-150393521-ACAGG-A. GRCh37 (hg19) VCF-style: chr5-149773084-ACAGG-A.
Other names: c.3523_3526del, p.Ala1175fs (NM_000356.4); c.3754_3757del, p.Ala1252fs (NM_001135243.2); c.3643_3646del, p.Ala1215fs (NM_001135244.2); c.3526_3529del, p.Ala1176fs (NM_001135245.2); c.3640_3643del, p.Ala1214fs (NM_001195141.2); c.3754_3757delGCAG (NM_001135243.1); short protein forms A1175fs, A1214fs, A1215fs, A1176fs, A1252fs, A1253fs.
Identifiers: ClinVar variation 372528 (VCV000372528.2), dbSNP rs1057517834, ClinGen allele CA16042509.

ClinVar aggregate classification (germline): Pathogenic (1 of 4 stars; one submission).

Submission:

GeneDx
Classification: Pathogenic. Last evaluated: 2015-04-30. Review status: criteria provided, single submitter. Criteria: GeneDx Variant Classification (06012015). Collection method: clinical testing. Allele origin: germline. Affected: yes.
Comment: The c.3754_3757delGCAG variant in the TCOF1 gene causes a frameshiftstarting with codon Alanine 1252, changes this amino acid to a Glutamine residue and creates a premature Stop codon at position 54 of the new reading frame, denoted p.Ala1252GlnfsX54. This deletion is predicted to cause loss of normal protein function either through protein truncation or nonsense-mediated mRNA decay. Therefore, we interpret this variant as pathogenic.